The following is an entry in ClinVar:

ClinVar aggregate classification (germline): Uncertain significance. Review status: criteria provided, multiple submitters, no conflicts (2 of 4 stars). 5 submissions from 5 submitters: Uncertain significance (5). Last evaluated 2026-01-06.

Conditions:
Multiple endocrine neoplasia type 4. Also called: MULTIPLE ENDOCRINE NEOPLASIA, TYPE IV. Identifiers: Orphanet 276152, MedGen C1970712, MONDO:0012552, OMIM 610755.
Hereditary cancer-predisposing syndrome. Also called: Hereditary neoplastic syndrome; Neoplastic Syndromes, Hereditary; Tumor predisposition; Hereditary Cancer Syndrome. Identifiers: Orphanet 140162, MedGen C0027672, MeSH D009386, MONDO:0015356.

Allele frequency attached by ClinVar (database versions not stated): gnomAD exomes below 0.00001 and 0.00001.
gnomAD v4.1: 6 of 1,614,096 alleles (0.00037%); highest among the groups gnomAD compares: Non-Finnish European, 0.00051%; no homozygotes.

Submissions (5):

Labcorp Genetics (formerly Invitae), Labcorp
Classification: Uncertain significance for Multiple endocrine neoplasia type 4. Last evaluated: 2026-01-06. Review status: criteria provided, single submitter. Criteria: Invitae Variant Classification Sherloc (09022015). Collection method: clinical testing. Allele origin: germline.
Comment: This sequence change replaces serine, which is neutral and polar, with proline, which is neutral and non-polar, at codon 161 of the CDKN1B protein (p.Ser161Pro). This variant is present in population databases (no rsID available, gnomAD 0.002%). This variant has not been reported in the literature in individuals affected with CDKN1B-related conditions. ClinVar contains an entry for this variant (Variation ID: 469028). An algorithm developed to predict the effect of missense changes on protein structure and function (PolyPhen-2) suggests that this variant is likely to be tolerated. In summary, the available evidence is currently insufficient to determine the role of this variant in disease. Therefore, it has been classified as a Variant of Uncertain Significance.

Ambry Genetics
Classification: Uncertain significance for Hereditary cancer-predisposing syndrome. Last evaluated: 2024-03-19. Review status: criteria provided, single submitter. Criteria: Ambry Variant Classification Scheme 2023. Collection method: clinical testing. Allele origin: germline.
Comment: The p.S161P variant (also known as c.481T>C), located in coding exon 2 of the CDKN1B gene, results from a T to C substitution at nucleotide position 481. The serine at codon 161 is replaced by proline, an amino acid with similar properties. This amino acid position is well conserved in available vertebrate species. In addition, this alteration is predicted to be tolerated by in silico analysis. Since supporting evidence is limited at this time, the clinical significance of this alteration remains unclear.

Baylor Genetics
Classification: Uncertain significance for Multiple endocrine neoplasia type 4. Last evaluated: 2023-09-26. Review status: criteria provided, single submitter. Criteria: ACMG Guidelines, 2015. Collection method: clinical testing. Allele origin: unknown.

GeneDx
Classification: Uncertain significance. Last evaluated: 2023-07-27. Review status: criteria provided, single submitter. Criteria: GeneDx Variant Classification Process June 2021. Collection method: clinical testing. Allele origin: germline. Affected: yes.
Comment: Not observed at significant frequency in large population cohorts (gnomAD); In silico analysis supports that this missense variant does not alter protein structure/function; Has not been previously published as pathogenic or benign to our knowledge

Quest Diagnostics Nichols Institute San Juan Capistrano
Classification: Uncertain significance. Last evaluated: 2023-04-11. Review status: criteria provided, single submitter. Criteria: Quest Diagnostics criteria. Collection method: clinical testing. Allele origin: unknown.
Comment: The variant has not been reported in the published literature. The frequency of this variant in the general population, 0.000008 (2/251196 chromosomes), is uninformative in assessment of its pathogenicity. Analysis of this variant using bioinformatics tools for the prediction of the effect of amino acid changes on protein structure and function yielded predictions that this variant is benign. Based on the available information, we are unable to determine the clinical significance of this variant.

NM_004064.5(CDKN1B):c.481T>C (p.Ser161Pro)

Gene: CDKN1B (cyclin dependent kinase inhibitor 1B; plus strand). Cytogenetic location: 12p13.1.
Variant type: single nucleotide variant.
Coding change: c.481T>C on transcript NM_004064.5 (MANE Select); coding-DNA position 481, T replaced by C.
Protein change: p.Ser161Pro; replaces serine 161 with proline.
Molecular consequence: missense variant.
Genome position (GRCh38, 1-based): chr12:12,718,830, T>C. VCF-style: chr12-12718830-T-C. GRCh37 (hg19) VCF-style: chr12-12871764-T-C.
Other names: short protein forms S161P.
Identifiers: ClinVar variation 469028 (VCV000469028.15), dbSNP rs1426083834, ClinGen allele CA383972544.